The following is an entry in ClinVar:

ClinVar aggregate classification (germline): Uncertain significance. Review status: criteria provided, multiple submitters, no conflicts (2 of 4 stars). 2 submissions from 2 submitters: Uncertain significance (2). Last evaluated 2021-10-27.

Conditions:
Congenital myasthenic syndrome 10. Also called: Myasthenia, limb-girdle, familial. Identifiers: Orphanet 590, MedGen C1850792, MONDO:0009690, OMIM 254300.
Fetal akinesia deformation sequence 1 (FADS1). Also called: Pena-Shokeir syndrome type I; Fetal akinesia sequence. Identifiers: Orphanet 994, MedGen C1276035, MONDO:0100101, OMIM 208150, HP:0001989.

gnomAD v4.1: 55 of 1,574,152 alleles (0.0035%); highest among the groups gnomAD compares: Middle Eastern, 0.033%; no homozygotes.

Submissions (2):

Labcorp Genetics (formerly Invitae), Labcorp
Classification: Uncertain significance for Congenital myasthenic syndrome 10; Fetal akinesia deformation sequence 1. Last evaluated: 2021-10-27. Review status: criteria provided, single submitter. Criteria: Invitae Variant Classification Sherloc (09022015). Collection method: clinical testing. Allele origin: germline.
Comment: This sequence change replaces proline, a(n) neutral and non-polar amino acid, with arginine, a(n) basic and polar amino acid, at codon 254 of the DOK7 protein (p.Pro254Arg). This variant is present in population databases (rs200407250, gnomAD 0.01%). This variant has not been reported in the literature in individuals affected with DOK7-related conditions. Algorithms developed to predict the effect of missense changes on protein structure and function are either unavailable or do not agree on the potential impact of this missense change (SIFT: "Tolerated"; PolyPhen-2: "Possibly Damaging"; Align-GVGD: "Class C0"). In summary, the available evidence is currently insufficient to determine the role of this variant in disease. Therefore, it has been classified as a Variant of Uncertain Significance.

Revvity Omics, Revvity
Classification: Uncertain significance. Last evaluated: 2019-10-08. Review status: criteria provided, single submitter. Criteria: ACMG Guidelines, 2015. Collection method: clinical testing. Allele origin: germline.

NM_173660.5(DOK7):c.761C>G (p.Pro254Arg)

Genes: DOK7 (docking protein 7; plus strand), LOC129992118 (ATAC-STARR-seq lymphoblastoid silent region 15206; plus strand). Cytogenetic location: 4p16.3.
Variant type: single nucleotide variant.
Coding change: c.761C>G on transcript NM_173660.5 (MANE Select); coding-DNA position 761, C replaced by G.
Protein change: p.Pro254Arg; replaces proline 254 with arginine.
Molecular consequence: missense variant. On other transcripts: synonymous variant (1), 5 prime UTR variant (1).
Genome position (GRCh38, 1-based): chr4:3,489,785, C>G. VCF-style: chr4-3489785-C-G. GRCh37 (hg19) VCF-style: chr4-3491512-C-G.
Other names: c.750C>G, p.Ala250= (NM_001164673.2); c.-170C>G (NM_001256896.2); c.761C>G, p.Pro254Arg (NM_001301071.2); c.329C>G, p.Pro110Arg (NM_001363811.2); c.761C>G (NM_173660.4); short protein forms P110R, P254R.
Identifiers: ClinVar variation 1434975 (VCV001434975.5), dbSNP rs200407250, ClinGen allele CA2829174.